The following is an entry in ClinVar:

NM_001009944.3(PKD1):c.1084G>A (p.Val362Met)

Gene: PKD1 (polycystin 1, transient receptor potential channel interacting; minus strand). Cytogenetic location: 16p13.3.
Variant type: single nucleotide variant.
Coding change: c.1084G>A on transcript NM_001009944.3 (MANE Select); coding-DNA position 1084, G replaced by A.
Protein change: p.Val362Met; replaces valine 362 with methionine.
Molecular consequence: missense variant.
Genome position (GRCh38, 1-based): chr16:2,117,908, C>T on the plus strand (G>A on the coding strand, the complement: PKD1 is on the minus strand). VCF-style: chr16-2117908-C-T. GRCh37 (hg19) VCF-style: chr16-2167909-C-T.
Other names: c.1084G>A, p.Val362Met (NM_000296.4); short protein forms V362M.
Identifiers: ClinVar variation 829971 (VCV000829971.5), dbSNP rs1428207672, ClinGen allele CA394393441.

ClinVar aggregate classification (germline): Uncertain significance. Review status: criteria provided, multiple submitters, no conflicts (2 of 4 stars). 3 submissions from 3 submitters: Uncertain significance (2). 1 of the submissions does not count toward it. Last evaluated 2024-08-01.

Conditions:
Polycystic kidney disease, adult type (PKD1). Also called: POLYCYSTIC KIDNEY DISEASE, ADULT, TYPE I; Polycystic Kidney Disease 1, Autosomal Dominant; Polycystic kidney disease 1; Polycystic kidney disease 1, severe; Polycystic Kidney, Autosomal Dominant; POLYCYSTIC KIDNEY DISEASE 1 WITH OR WITHOUT POLYCYSTIC LIVER DISEASE. Identifiers: MedGen C3149841, MONDO:0008263, OMIM 173900.

Allele frequency attached by ClinVar (database versions not stated): gnomAD 0.00001.

Submissions (3):

GeneDx
Classification: Uncertain significance. Last evaluated: 2024-08-01. Review status: criteria provided, single submitter. Criteria: GeneDx Variant Classification Process June 2021. Collection method: clinical testing. Allele origin: germline.
Comment: Not observed at significant frequency in large population cohorts (gnomAD); In silico analysis indicates that this missense variant does not alter protein structure/function; In silico analysis suggests this variant may impact gene splicing; in the absence of RNA/functional studies the actual effect of this sequence change is unknown; Has not been previously published as pathogenic or benign to our knowledge

Fulgent Genetics
Classification: Uncertain significance for Polycystic kidney disease, adult type. Last evaluated: 2021-12-02. Review status: criteria provided, single submitter. Criteria: ACMG Guidelines, 2015. Collection method: clinical testing. Allele origin: unknown.

Bioscientia Institut fuer Medizinische Diagnostik GmbH, Sonic Healthcare
Classification: Uncertain significance for Polycystic kidney disease, adult type. Last evaluated: 2019-11-06. Review status: no assertion criteria provided. Collection method: clinical testing. Allele origin: germline. Affected: yes. Not counted in ClinVar's aggregate classification.